The following is an entry in ClinVar:

NM_001385641.1(SAMD11):c.2503G>A (p.Gly835Arg)

Gene: SAMD11 (sterile alpha motif domain containing 11; plus strand). Cytogenetic location: 1p36.33.
Variant type: single nucleotide variant.
Coding change: c.2503G>A on transcript NM_001385641.1 (MANE Select); coding-DNA position 2503, G replaced by A.
Protein change: p.Gly835Arg; replaces glycine 835 with arginine.
Molecular consequence: missense variant.
Genome position (GRCh38, 1-based): chr1:944,121, G>A. VCF-style: chr1-944121-G-A. GRCh37 (hg19) VCF-style: chr1-879501-G-A.
Other names: c.2506G>A, p.Gly836Arg (NM_001385640.1); c.2014G>A, p.Gly672Arg (NM_152486.4); short protein forms G835R, G836R, G672R.
Identifiers: ClinVar variation 1377202 (VCV001377202.6), dbSNP rs780701540, ClinGen allele CA503449.

ClinVar aggregate classification (germline): Uncertain significance (1 of 4 stars; one submission).

Allele frequency attached by ClinVar (database versions not stated): ExAC 0.00001; gnomAD 0.00001; gnomAD exomes 0.00001.
gnomAD v4.1: 6 of 1,599,798 alleles (0.00038%); highest among the groups gnomAD compares: Admixed American, 0.0017%; no homozygotes.

Submission:

Labcorp Genetics (formerly Invitae), Labcorp
Classification: Uncertain significance. Last evaluated: 2022-09-01. Review status: criteria provided, single submitter. Criteria: Invitae Variant Classification Sherloc (09022015). Collection method: clinical testing. Allele origin: germline.
Comment: ClinVar contains an entry for this variant (Variation ID: 1377202). This sequence change replaces glycine, which is neutral and non-polar, with arginine, which is basic and polar, at codon 672 of the SAMD11 protein (p.Gly672Arg). The frequency data for this variant in the population databases is considered unreliable, as metrics indicate poor data quality at this position in the gnomAD database. This variant has not been reported in the literature in individuals affected with SAMD11-related conditions. Algorithms developed to predict the effect of missense changes on protein structure and function are either unavailable or do not agree on the potential impact of this missense change (SIFT: "Deleterious"; PolyPhen-2: "Possibly Damaging"; Align-GVGD: "Class C0"). Algorithms developed to predict the effect of sequence changes on RNA splicing suggest that this variant may create or strengthen a splice site. In summary, the available evidence is currently insufficient to determine the role of this variant in disease. Therefore, it has been classified as a Variant of Uncertain Significance.